The following is an entry in ClinVar:

NM_000238.4(KCNH2):c.1909G>A (p.Glu637Lys)

Gene: KCNH2 (potassium voltage-gated channel subfamily H member 2; minus strand). Cytogenetic location: 7q36.1.
Variant type: single nucleotide variant.
Coding change: c.1909G>A on transcript NM_000238.4 (MANE Select); coding-DNA position 1909, G replaced by A.
Protein change: p.Glu637Lys; replaces glutamic acid 637 with lysine.
Molecular consequence: missense variant.
Genome position (GRCh38, 1-based): chr7:150,951,484, C>T on the plus strand (G>A on the coding strand, the complement: KCNH2 is on the minus strand). VCF-style: chr7-150951484-C-T. GRCh37 (hg19) VCF-style: chr7-150648572-C-T.
Other names: c.1909G>A (LRG_288t1); c.889G>A, p.Glu297Lys (NM_172057.3, NM_001204798.2); c.1621G>A, p.Glu541Lys (NM_001406753.1, NM_001406756.1); c.1732G>A, p.Glu578Lys (NM_001406755.1); c.1609G>A, p.Glu537Lys (NM_001406757.1); c.1909G>A, p.Glu637Lys (NM_172056.3); short protein forms E297K, E637K, E541K, E578K, E537K.
Identifiers: ClinVar variation 67329 (VCV000067329.9), dbSNP rs199472968, ClinGen allele CA005952.

ClinVar aggregate classification (germline): Pathogenic. Review status: criteria provided, single submitter (1 of 4 stars). 2 submissions from 2 submitters: Pathogenic (1). 1 of the submissions does not count toward it. Last evaluated 2018-04-10.

Conditions:
Familial long QT syndrome (RWS). Also called: Congenital long QT syndrome; Romano-Ward syndrome; VENTRICULAR FIBRILLATION WITH PROLONGED QT INTERVAL. Identifiers: Orphanet 768, MedGen C1141890, MONDO:0019171.
Long QT syndrome (LQTS). Identifiers: MedGen C0023976, MeSH D008133, MONDO:0002442. Disease mechanism: loss of function. Inheritance: Various modes of inheritance.

Submissions (2):

Labcorp Genetics (formerly Invitae), Labcorp
Classification: Pathogenic for Long QT syndrome. Last evaluated: 2018-04-10. Review status: criteria provided, single submitter. Criteria: Invitae Variant Classification Sherloc (09022015). Collection method: clinical testing. Allele origin: germline.
Comment: This variant has been reported in individuals affected with long QT syndrome (PMID: 12062363, 12808265). ClinVar contains an entry for this variant (Variation ID: 67329). For these reasons, this variant has been classified as Pathogenic. A different missense substitution at this codon (p.Glu637Gly) has been determined to be pathogenic (PMID: 21109023, 21216356, 25417810). This suggests that the glutamic acid residue is critical for KCNH2 protein function and that other missense substitutions at this position may also be pathogenic. Experimental studies have shown that this missense change disrupts protein trafficking, abolishing channel currents and causing dominant negative suppression of wild type channels (PMID: 12062363, 25417810, 23022675). This variant is not present in population databases (ExAC no frequency). This sequence change replaces glutamic acid with lysine at codon 637 of the KCNH2 protein (p.Glu637Lys). The glutamic acid residue is highly conserved and there is a small physicochemical difference between glutamic acid and lysine.

Cardiovascular Biomedical Research Unit, Royal Brompton & Harefield NHS Foundation Trust
No classification provided. Condition: Familial long QT syndrome. Review status: no classification provided. Collection method: literature only. Allele origin: germline. Not counted in ClinVar's aggregate classification.
Comment: This variant has been reported as associated with Long QT syndrome in the following publications (PMID:12062363). This is a literature report, and does not necessarily reflect the clinical interpretation of the Imperial College / Royal Brompton Cardiovascular Genetics laboratory.

Literature cited by the submitters: PubMed 12062363 (cited by Labcorp Genetics (formerly Invitae), Labcorp and Cardiovascular Biomedical Research Unit, Royal Brompton & Harefield NHS Foundation Trust); PubMed 12808265 (cited by Labcorp Genetics (formerly Invitae), Labcorp); PubMed 21109023 (cited by Labcorp Genetics (formerly Invitae), Labcorp); PubMed 21216356 (cited by Labcorp Genetics (formerly Invitae), Labcorp); PubMed 25417810 (cited by Labcorp Genetics (formerly Invitae), Labcorp); PubMed 23022675 (cited by Labcorp Genetics (formerly Invitae), Labcorp); PubMed 22581653 (cited by Cardiovascular Biomedical Research Unit, Royal Brompton & Harefield NHS Foundation Trust).